The following is an entry in ClinVar:

NM_005618.4(DLL1):c.1444G>A (p.Val482Ile)

Gene: DLL1 (delta like canonical Notch ligand 1; minus strand). Cytogenetic location: 6q27.
Variant type: single nucleotide variant.
Coding change: c.1444G>A on transcript NM_005618.4 (MANE Select); coding-DNA position 1444, G replaced by A.
Protein change: p.Val482Ile; replaces valine 482 with isoleucine.
Molecular consequence: missense variant.
Genome position (GRCh38, 1-based): chr6:170,283,835, C>T on the plus strand (G>A on the coding strand, the complement: DLL1 is on the minus strand). VCF-style: chr6-170283835-C-T. GRCh37 (hg19) VCF-style: chr6-170592923-C-T.
Other names: c.1444G>A (NM_005618.3); short protein forms V482I.
Identifiers: ClinVar variation 2440810 (VCV002440810.7), dbSNP rs146638649, ClinGen allele CA4106823.
Genomic context (GRCh38, chr6:170,283,835, plus strand): 5'-GGTGGCCCCTCTCGTGGCAGGTGGCCCCATTGTGGCAGGGTGCGTGCTCGCACCTGCTGA[C>T]GGGGGCACTGCAGTTCCTGCCCGTGTAGCCAGGCGGGCAGGTGCAGGAGAAGTCGTTCAC-3'
Protein context (NP_005609.3, residues 472-492): GYTGRNCSAP[Val482Ile]SRCEHAPCHN

ClinVar aggregate classification (germline): Uncertain significance. Review status: criteria provided, multiple submitters, no conflicts (2 of 4 stars). 3 submissions from 3 submitters: Uncertain significance (3). Last evaluated 2025-03-27.

Conditions:
Inborn genetic diseases. Identifiers: MedGen C0950123, MeSH D030342.
Neurodevelopmental disorder with nonspecific brain abnormalities and with or without seizures. Identifiers: MedGen C5231470, MONDO:0032877, OMIM 618709.

Allele frequency attached by ClinVar (database versions not stated): gnomAD 0.00002; TOPMed 0.00003; ESP Exome Variant Server 0.00008; ExAC 0.00008; gnomAD exomes 0.00001; 1000 Genomes Project 30x 0.00016.

Submissions (3):

Ambry Genetics
Classification: Uncertain significance for Inborn genetic diseases. Last evaluated: 2025-03-27. Review status: criteria provided, single submitter. Criteria: Ambry Variant Classification Scheme 2023. Collection method: clinical testing. Allele origin: germline.

Labcorp Genetics (formerly Invitae), Labcorp
Classification: Uncertain significance. Last evaluated: 2025-02-19. Review status: criteria provided, single submitter. Criteria: Invitae Variant Classification Sherloc (09022015). Collection method: clinical testing. Allele origin: germline.
Comment: This sequence change replaces valine, which is neutral and non-polar, with isoleucine, which is neutral and non-polar, at codon 482 of the DLL1 protein (p.Val482Ile). The frequency data for this variant in the population databases is considered unreliable, as metrics indicate poor data quality at this position in the gnomAD database. This variant has not been reported in the literature in individuals affected with DLL1-related conditions. ClinVar contains an entry for this variant (Variation ID: 2440810). An algorithm developed to predict the effect of missense changes on protein structure and function outputs the following: PolyPhen-2: "Benign". The isoleucine amino acid residue is found in multiple mammalian species, which suggests that this missense change does not adversely affect protein function. In summary, the available evidence is currently insufficient to determine the role of this variant in disease. Therefore, it has been classified as a Variant of Uncertain Significance.

Revvity Omics, Revvity
Classification: Uncertain significance for Neurodevelopmental disorder with nonspecific brain abnormalities and with or without seizures. Last evaluated: 2021-10-06. Review status: criteria provided, single submitter. Criteria: ACMG Guidelines, 2015. Collection method: clinical testing. Allele origin: germline.